The following is an entry in ClinVar:

ClinVar aggregate classification (germline): Uncertain significance (1 of 4 stars; one submission).

Submission:

Labcorp Genetics (formerly Invitae), Labcorp
Classification: Uncertain significance. Last evaluated: 2022-02-25. Review status: criteria provided, single submitter. Criteria: Invitae Variant Classification Sherloc (09022015). Collection method: clinical testing. Allele origin: germline.
Comment: This sequence change replaces asparagine, which is neutral and polar, with aspartic acid, which is acidic and polar, at codon 3069 of the ADGRV1 protein (p.Asn3069Asp). This variant is not present in population databases (gnomAD no frequency). This variant has not been reported in the literature in individuals affected with ADGRV1-related conditions. Algorithms developed to predict the effect of missense changes on protein structure and function are either unavailable or do not agree on the potential impact of this missense change (SIFT: "Deleterious"; PolyPhen-2: "Possibly Damaging"; Align-GVGD: "Class C0"). In summary, the available evidence is currently insufficient to determine the role of this variant in disease. Therefore, it has been classified as a Variant of Uncertain Significance.

NM_032119.4(ADGRV1):c.9205A>G (p.Asn3069Asp)

Gene: ADGRV1 (adhesion G protein-coupled receptor V1; plus strand). Cytogenetic location: 5q14.3.
Variant type: single nucleotide variant.
Coding change: c.9205A>G on transcript NM_032119.4 (MANE Select); coding-DNA position 9205, A replaced by G.
Protein change: p.Asn3069Asp; replaces asparagine 3069 with aspartic acid.
Molecular consequence: missense variant. On other transcripts: non-coding transcript variant (1).
Genome position (GRCh38, 1-based): chr5:90,716,487, A>G. VCF-style: chr5-90716487-A-G. GRCh37 (hg19) VCF-style: chr5-90012304-A-G.
Other names: short protein forms N3069D.
Identifiers: ClinVar variation 2056704 (VCV002056704.4), dbSNP rs2531208939, ClinGen allele CA360397010.